The following is an entry in ClinVar:

ClinVar aggregate classification (germline): Uncertain significance (1 of 4 stars; one submission).

Conditions:
Cerebellar ataxia, intellectual disability, and dysequilibrium syndrome 3 (SCAR34). Also called: CEREBELLAR ATAXIA AND MENTAL RETARDATION WITH OR WITHOUT QUADRUPEDAL LOCOMOTION 3; SPINOCEREBELLAR ATAXIA, AUTOSOMAL RECESSIVE 34. Identifiers: Orphanet 1766, MedGen C2750509, MONDO:0013188, OMIM 613227.

Submission:

UAEU Genomics Laboratory, United Arab Emirates University
Classification: Uncertain significance for Cerebellar ataxia, intellectual disability, and dysequilibrium syndrome 3. Last evaluated: 2022-04-20. Review status: criteria provided, single submitter. Criteria: ACMG Guidelines, 2015. Collection method: research. Allele origin: germline. Affected: yes. Observed: 2 variant alleles.
Comment: PM2, PM1, PP3

NM_004056.6(CA8):c.292G>A (p.Val98Ile)

Gene: CA8 (carbonic anhydrase 8 (inactive); minus strand). Cytogenetic location: 8q12.1.
Variant type: single nucleotide variant.
Coding change: c.292G>A on transcript NM_004056.6 (MANE Select); coding-DNA position 292, G replaced by A.
Protein change: p.Val98Ile; replaces valine 98 with isoleucine.
Molecular consequence: missense variant. On other transcripts: non-coding transcript variant (1).
Genome position (GRCh38, 1-based): chr8:60,279,689, C>T on the plus strand (G>A on the coding strand, the complement: CA8 is on the minus strand). VCF-style: chr8-60279689-C-T. GRCh37 (hg19) VCF-style: chr8-61192248-C-T.
Other names: c.292G>A, p.Val98Ile (NM_001321837.2, NM_001321838.2, NM_001321839.2); short protein forms V98I.
Identifiers: ClinVar variation 5042569 (VCV005042569.1).
Genomic context (GRCh38, chr8:60,279,689, plus strand): 5'-TCAATAACTCTACGCTGACTTCTAGTTTAAAAGACCACACAAACATATTTTCTAAAATAC[C>T]TGATTTTGACTTCAGGATAACCTGAATGGTATGTCCATCATTGGTGACTTCACAGTCTCG-3'
Protein context (NP_004047.3, residues 88-108): TIQVILKSKS[Val98Ile]LSGGPLPQGH